The following is an entry in ClinVar:

ClinVar aggregate classification (germline): Benign. Review status: criteria provided, single submitter (1 of 4 stars). 2 submissions from 2 submitters: Benign (1). 1 of the submissions does not count toward it. Last evaluated 2025-10-14.

Conditions:
FGFRL1-related disorder. Also called: FGFRL1-related condition.

Allele frequency attached by ClinVar (database versions not stated): TOPMed 0.00052; gnomAD 0.00061; ExAC 0.00129; 1000 Genomes Project 30x 0.00281; 1000 Genomes Project 0.00300.
gnomAD v4.1: 493 of 1,594,952 alleles (0.031%); highest among the groups gnomAD compares: East Asian, 0.58%; 4 homozygotes.

Submissions (2):

Labcorp Genetics (formerly Invitae), Labcorp
Classification: Benign. Last evaluated: 2025-10-14. Review status: criteria provided, single submitter. Criteria: Invitae Variant Classification Sherloc (09022015). Collection method: clinical testing. Allele origin: germline.

PreventionGenetics, part of Exact Sciences
Classification: Benign for FGFRL1-related condition. Last evaluated: 2019-08-30. Review status: no assertion criteria provided. Collection method: clinical testing. Allele origin: germline. Not counted in ClinVar's aggregate classification.
Comment: This variant is classified as benign based on ACMG/AMP sequence variant interpretation guidelines (Richards et al. 2015 PMID: 25741868, with internal and published modifications).

NM_001004356.3(FGFRL1):c.576G>A (p.Thr192=)

Gene: FGFRL1 (fibroblast growth factor receptor like 1; plus strand). Cytogenetic location: 4p16.3.
Variant type: single nucleotide variant.
Coding change: c.576G>A on transcript NM_001004356.3 (MANE Select); coding-DNA position 576, G replaced by A.
Protein change: p.Thr192=; no amino-acid change (threonine 192 retained).
Molecular consequence: synonymous variant.
Genome position (GRCh38, 1-based): chr4:1,023,959, G>A. VCF-style: chr4-1023959-G-A. GRCh37 (hg19) VCF-style: chr4-1017747-G-A.
Other names: c.576G>A, p.Thr192= (NM_001004358.1, NM_001370296.1, NM_021923.3).
Identifiers: ClinVar variation 746636 (VCV000746636.11), dbSNP rs199798050, ClinGen allele CA2802768.